The following is an entry in ClinVar:

NM_000388.4(CASR):c.1744T>C (p.Cys582Arg)

Gene: CASR (calcium sensing receptor; plus strand). Cytogenetic location: 3q21.1.
Variant type: single nucleotide variant.
Coding change: c.1744T>C on transcript NM_000388.4 (MANE Select); coding-DNA position 1744, T replaced by C.
Protein change: p.Cys582Arg; replaces cysteine 582 with arginine.
Molecular consequence: missense variant.
Genome position (GRCh38, 1-based): chr3:122,283,698, T>C. VCF-style: chr3-122283698-T-C. GRCh37 (hg19) VCF-style: chr3-122002545-T-C.
Other names: c.1774T>C, p.Cys592Arg (NM_001178065.2); short protein forms C582R, C592R.
Identifiers: ClinVar variation 2203418 (VCV002203418.4), dbSNP rs2074920676, ClinGen allele CA354157112.

ClinVar aggregate classification (germline): Uncertain significance (1 of 4 stars; one submission).

Conditions:
Autosomal dominant hypocalcemia 1 (HYPOC1). Also called: HYPOCALCEMIA, FAMILIAL. Identifiers: MedGen C3715128, MONDO:0011013, OMIM 601198.
Familial hypocalciuric hypercalcemia (FHH). Also called: Familial benign hypercalcemia. Identifiers: Orphanet 405, MedGen C1809471, MONDO:0018458.

Submission:

Labcorp Genetics (formerly Invitae), Labcorp
Classification: Uncertain significance for Familial hypocalciuric hypercalcemia; Autosomal dominant hypocalcemia 1. Last evaluated: 2021-11-21. Review status: criteria provided, single submitter. Criteria: Invitae Variant Classification Sherloc (09022015). Collection method: clinical testing. Allele origin: germline.
Comment: In summary, the available evidence is currently insufficient to determine the role of this variant in disease. Therefore, it has been classified as a Variant of Uncertain Significance. This variant disrupts the p.Cys582 amino acid residue in CASR. Other variant(s) that disrupt this residue have been determined to be pathogenic (PMID: 17698911, 19389809). This suggests that this residue is clinically significant, and that variants that disrupt this residue are likely to be disease-causing. Experimental studies have shown that this missense change affects CASR function (PMID: 27666534). Algorithms developed to predict the effect of missense changes on protein structure and function (SIFT, PolyPhen-2, Align-GVGD) all suggest that this variant is likely to be disruptive. This missense change has been observed in individual(s) with primary hyperparathyroidism (PMID: 27666534). This variant is not present in population databases (gnomAD no frequency). This sequence change replaces cysteine, which is neutral and slightly polar, with arginine, which is basic and polar, at codon 582 of the CASR protein (p.Cys582Arg).

Literature cited by the submitters: PubMed 17698911; PubMed 19389809; PubMed 27666534.